The following is an entry in ClinVar:

ClinVar aggregate classification (germline): Uncertain significance (1 of 4 stars; one submission).

Conditions:
Primary dilated cardiomyopathy (DCM). Also called: Dilated Cardiomyopathy. Identifiers: Orphanet 217604, MedGen C0007193, MeSH D002311, MONDO:0005021, HP:0001644. Inheritance: Various modes of inheritance.
Hypertrophic cardiomyopathy. Also called: HYPERTROPHIC MYOCARDIOPATHY. Identifiers: Orphanet 217569, MedGen C0007194, MeSH D002312, MONDO:0005045, HP:0001639.

Allele frequency attached by ClinVar (database versions not stated): gnomAD exomes below 0.00001.
gnomAD v4.1: 1 of 1,592,072 alleles (0.000063%); highest among the groups gnomAD compares: Non-Finnish European, 0.000085%; no homozygotes.

Submission:

Labcorp Genetics (formerly Invitae), Labcorp
Classification: Uncertain significance for Hypertrophic cardiomyopathy; Primary dilated cardiomyopathy. Last evaluated: 2023-01-09. Review status: criteria provided, single submitter. Criteria: Invitae Variant Classification Sherloc (09022015). Collection method: clinical testing. Allele origin: germline.
Comment: In summary, the available evidence is currently insufficient to determine the role of this variant in disease. Therefore, it has been classified as a Variant of Uncertain Significance. Algorithms developed to predict the effect of missense changes on protein structure and function (SIFT, PolyPhen-2, Align-GVGD) all suggest that this variant is likely to be disruptive. This variant has not been reported in the literature in individuals affected with PDLIM3-related conditions. This variant is not present in population databases (gnomAD no frequency). This sequence change replaces proline, which is neutral and non-polar, with threonine, which is neutral and polar, at codon 2 of the PDLIM3 protein (p.Pro2Thr).

NM_014476.6(PDLIM3):c.4C>A (p.Pro2Thr)

Gene: PDLIM3 (PDZ and LIM domain 3; minus strand). Cytogenetic location: 4q35.1.
Variant type: single nucleotide variant.
Coding change: c.4C>A on transcript NM_014476.6 (MANE Select); coding-DNA position 4, C replaced by A.
Protein change: p.Pro2Thr; replaces proline 2 with threonine.
Molecular consequence: missense variant. On other transcripts: non-coding transcript variant (1).
Genome position (GRCh38, 1-based): chr4:185,535,431, G>T on the plus strand (C>A on the coding strand, the complement: PDLIM3 is on the minus strand). VCF-style: chr4-185535431-G-T. GRCh37 (hg19) VCF-style: chr4-186456585-G-T.
Other names: c.4C>A, p.Pro2Thr (NM_001114107.5, NM_001257962.2, NM_001257963.2); short protein forms P2T.
Identifiers: ClinVar variation 2943053 (VCV002943053.3), dbSNP rs1224883567, ClinGen allele CA358932923.